The following is an entry in ClinVar:

NM_004974.4(KCNA2):c.838G>A (p.Asp280Asn)

Gene: KCNA2 (potassium voltage-gated channel subfamily A member 2; minus strand). Cytogenetic location: 1p13.3.
Variant type: single nucleotide variant.
Coding change: c.838G>A on transcript NM_004974.4 (MANE Select); coding-DNA position 838, G replaced by A.
Protein change: p.Asp280Asn; replaces aspartic acid 280 with asparagine.
Molecular consequence: missense variant.
Genome position (GRCh38, 1-based): chr1:110,603,945, C>T on the plus strand (G>A on the coding strand, the complement: KCNA2 is on the minus strand). VCF-style: chr1-110603945-C-T. GRCh37 (hg19) VCF-style: chr1-111146567-C-T.
Other names: c.838G>A, p.Asp280Asn (NM_001204269.2); short protein forms D280N.
Identifiers: ClinVar variation 1306971 (VCV001306971.3), dbSNP rs2101399011, ClinGen allele CA341603082.

ClinVar aggregate classification (germline): Uncertain significance. Review status: criteria provided, multiple submitters, no conflicts (2 of 4 stars). 2 submissions from 2 submitters: Uncertain significance (2). Last evaluated 2025-11-05.

Conditions:
Inborn genetic diseases. Identifiers: MedGen C0950123, MeSH D030342.

Submissions (2):

Ambry Genetics
Classification: Uncertain significance for Inborn genetic diseases. Last evaluated: 2025-11-05. Review status: criteria provided, single submitter. Criteria: Ambry Variant Classification Scheme 2023. Collection method: clinical testing. Allele origin: germline.

GeneDx
Classification: Uncertain significance. Last evaluated: 2019-07-17. Review status: criteria provided, single submitter. Criteria: GeneDx Variant Classification Process June 2021. Collection method: clinical testing. Allele origin: germline. Affected: yes.
Comment: Not observed in large population cohorts (Lek et al., 2016); In silico analysis, which includes protein predictors and evolutionary conservation, supports that this variant does not alter protein structure/function; Has not been previously published as pathogenic or benign to our knowledge